The following is an entry in ClinVar:

ClinVar aggregate classification (germline): Uncertain significance (1 of 4 stars; one submission).

Conditions:
Hereditary cancer-predisposing syndrome. Also called: Tumor predisposition; Hereditary neoplastic syndrome; Hereditary Cancer Syndrome; Neoplastic Syndromes, Hereditary. Identifiers: Orphanet 140162, MedGen C0027672, MeSH D009386, MONDO:0015356.

Submission:

Ambry Genetics
Classification: Uncertain significance for Hereditary cancer-predisposing syndrome. Last evaluated: 2025-05-05. Review status: criteria provided, single submitter. Criteria: Ambry Variant Classification Scheme 2023. Collection method: clinical testing. Allele origin: germline.
Comment: The c.1598_1602delTGCTGins15 variant, located in coding exon 15 of the POLE gene, results from the deletion of 5 nucleotides and insertion of 15 nucleotides causing a translational frameshift with a predicted alternate stop codon (p.V533Efs*8). This alteration is expected to result in loss of function by premature protein truncation or nonsense-mediated mRNA decay. Although biallelic loss of function of POLE has been associated with autosomal recessive POLE deficiency, haploinsufficiency of POLE has not been established as a mechanism of disease for POLE-related polymerase proofreading-associated polyposis (PPAP) and POLE-related CMMRD-like syndrome. Based on the supporting evidence, this variant is expected to be causative of POLE deficiency when present along with a second pathogenic variant on the other allele; however, its clinical significance for PPAP and POLE-related CMMRD-like syndrome is unclear.

NM_006231.4(POLE):c.1598_1602delinsAAGCTGACGGACGTA (p.Val533fs)

Gene: POLE (DNA polymerase epsilon, catalytic subunit; minus strand). Cytogenetic location: 12q24.33.
Variant type: Indel.
Coding change: c.1598_1602delinsAAGCTGACGGACGTA on transcript NM_006231.4 (MANE Select); coding-DNA positions 1598 to 1602, TGCTG replaced by AAGCTGACGGACGTA.
Protein change: p.Val533fs; shifts the reading frame from valine 533.
Molecular consequence: frameshift variant.
Genome position (GRCh38, 1-based): chr12:132,672,711-132,672,715, CAGCA replaced by TACGTCCGTCAGCTT on the plus strand (TGCTG replaced by AAGCTGACGGACGTA on the coding strand, the reverse complement: POLE is on the minus strand). VCF-style: chr12-132672711-CAGCA-TACGTCCGTCAGCTT. GRCh37 (hg19) VCF-style: chr12-133249297-CAGCA-TACGTCCGTCAGCTT.
Other names: short protein forms V533fs.
Identifiers: ClinVar variation 3935728 (VCV003935728.1).